The following is an entry in ClinVar:

ClinVar aggregate classification (germline): Pathogenic/Likely pathogenic. Review status: criteria provided, multiple submitters, no conflicts (2 of 4 stars). 4 submissions from 4 submitters: Pathogenic (2); Likely pathogenic (1). 1 of the submissions does not count toward it. Last evaluated 2025-10-25.

Conditions:
Spinocerebellar ataxia, autosomal recessive 31. Identifiers: MedGen C5543627, MONDO:0030323, OMIM 619422.

Allele frequency attached by ClinVar (database versions not stated): ExAC 0.00018; ESP Exome Variant Server 0.00015; gnomAD exomes 0.00017.
gnomAD v4.1: 373 of 1,606,832 alleles (0.023%); highest among the groups gnomAD compares: Non-Finnish European, 0.029%; no homozygotes.

Submissions (4):

3billion
Classification: Pathogenic for Spinocerebellar ataxia, autosomal recessive 31. Last evaluated: 2025-10-25. Review status: criteria provided, single submitter. Criteria: ACMG Guidelines, 2015. Collection method: clinical testing. Allele origin: germline. Affected: yes.
Comment: The variant is observed at an extremely low frequency in the gnomAD v4.1.0 dataset (total allele frequency: 0.023%). Predicted Consequence/Location: Stop-gained (nonsense): predicted to result in a loss or disruption of normal protein function through nonsense-mediated decay (NMD) or protein truncation. Multiple pathogenic variants are reported downstream of the variant. The variant has been reported at least twice as pathogenic without evidence for the classification (ClinVar ID: VCV001177583 /PMID: 34161705 /3billion dataset). Therefore, this variant is classified as Pathogenic according to the recommendation of ACMG/AMP guideline.

Dasa
Classification: Pathogenic. Last evaluated: 2025-08-01. Review status: criteria provided, single submitter. Criteria: DASA Assertion Criteria. Collection method: clinical testing. Allele origin: germline.
Comment: NM_001349232.2(ATG7):c.1975C>T (p.Arg659*) introduces a premature termination codon predicted to result in loss of normal protein function. Loss-of-function is an established mechanism of disease for this gene. Segregation evidence has been reported in affected families. This variant has been observed in affected individuals with related phenotype in a genotype context consistent with recessive disease (PMID: 34161705; PMID: 35725745). Functional evidence supports a deleterious effect on the gene or gene product (PMID: 34161705; PMID: 35725745). This variant has been recurrently observed in individuals with related phenotype (PMID: 34161705; PMID: 35725745). The variant is present at low frequency in population datasets. Based on the available data, this variant is classified as pathogenic.

Variantyx, Inc.
Classification: Likely pathogenic for Spinocerebellar ataxia, autosomal recessive 31. Last evaluated: 2025-03-18. Review status: criteria provided, single submitter. Criteria: Variantyx Assertion Criteria 2022. Collection method: clinical testing. Allele origin: paternal.
Comment: This is a nonsense variant in the ATG7 gene (OMIM: 608760). Pathogenic variants in this gene have been associated with autosomal recessive spinocerebellar ataxia 31. This variant introduces a premature termination codon in exon 18 out of 19. It is expected to result in loss of function, which is a known disease mechanism for ATG7 in this disorder (PMID: 34161705) (PVS1). This variant has a 0.0285% maximum allele frequency in non-founder control populations (PM2_Supporting). This variant has been reported in at least 2 affected individual(s) who carried a second variant in this gene; however, the phase of these variants could not be determined (PMID: 34161705). Based on the current evidence, this variant is classified as likely pathogenic for autosomal recessive spinocerebellar ataxia 31.

OMIM
Classification: Pathogenic for SPINOCEREBELLAR ATAXIA, AUTOSOMAL RECESSIVE 31. Last evaluated: 2021-07-12. Review status: no assertion criteria provided. Collection method: literature only. Allele origin: germline. Not counted in ClinVar's aggregate classification.

Literature cited by the submitters: PubMed 34161705 (cited by 3 submitters); PubMed 35725745 (cited by Dasa).

NM_001349232.2(ATG7):c.1975C>T (p.Arg659Ter)

Gene: ATG7 (autophagy related 7; plus strand). Cytogenetic location: 3p25.3.
Variant type: single nucleotide variant.
Coding change: c.1975C>T on transcript NM_001349232.2 (MANE Select); coding-DNA position 1975, C replaced by T.
Protein change: p.Arg659Ter; replaces arginine 659 with a stop codon.
Molecular consequence: nonsense. On other transcripts: intron variant (1).
Genome position (GRCh38, 1-based): chr3:11,426,822, C>T. VCF-style: chr3-11426822-C-T. GRCh37 (hg19) VCF-style: chr3-11468296-C-T.
Other names: c.1894C>T, p.Arg632Ter (NM_001136031.3); c.1975C>T, p.Arg659Ter (NM_001349233.2, NM_001349234.2, NM_001349235.2 and 1 more transcripts); c.1858C>T, p.Arg620Ter (NM_001349236.2); c.1816C>T, p.Arg606Ter (NM_001349237.2); c.1042C>T, p.Arg348Ter (NM_001349238.2); c.1839+46770C>T (NM_001144912.2); short protein forms R659*, R348*, R606*, R620*, R632*.
Identifiers: ClinVar variation 1177583 (VCV001177583.5), dbSNP rs201706487, ClinGen allele CA2256241.